The following is an entry in ClinVar:

ClinVar aggregate classification (germline): Conflicting classifications of pathogenicity. Review status: criteria provided, conflicting classifications (1 of 4 stars). 3 submissions from 3 submitters: Uncertain significance (1); Likely benign (2). Last evaluated 2025-11-26.

Conditions:
Cone-rod dystrophy 7 (CORD7). Identifiers: Orphanet 1872, MedGen C1863634, MONDO:0011355, OMIM 603649.

Allele frequency attached by ClinVar (database versions not stated): gnomAD 0.00003; 1000 Genomes Project 30x 0.00031; ExAC 0.00053; TOPMed 0.00001; 1000 Genomes Project 0.00040.
gnomAD v4.1: 67 of 1,557,106 alleles (0.0043%); highest among the groups gnomAD compares: South Asian, 0.054%; 3 homozygotes.

Submissions (3):

Ambry Genetics
Classification: Likely benign. Last evaluated: 2025-11-26. Review status: criteria provided, single submitter. Criteria: Ambry Variant Classification Scheme 2023. Collection method: clinical testing. Allele origin: germline.

Labcorp Genetics (formerly Invitae), Labcorp
Classification: Uncertain significance. Last evaluated: 2025-10-22. Review status: criteria provided, single submitter. Criteria: Invitae Variant Classification Sherloc (09022015). Collection method: clinical testing. Allele origin: germline.
Comment: This sequence change replaces proline, which is neutral and non-polar, with threonine, which is neutral and polar, at codon 462 of the RIMS1 protein (p.Pro462Thr). This variant is present in population databases (rs541997223, gnomAD 0.06%), and has an allele count higher than expected for a pathogenic variant. This variant has not been reported in the literature in individuals affected with RIMS1-related conditions. ClinVar contains an entry for this variant (Variation ID: 357839). An algorithm developed to predict the effect of missense changes on protein structure and function outputs the following: PolyPhen-2: "Benign". The threonine amino acid residue is found in multiple mammalian species, which suggests that this missense change does not adversely affect protein function. In summary, the available evidence is currently insufficient to determine the role of this variant in disease. Therefore, it has been classified as a Variant of Uncertain Significance.

Illumina Laboratory Services, Illumina
Classification: Likely benign for Cone-rod dystrophy 7. Last evaluated: 2018-01-12. Review status: criteria provided, single submitter. Criteria: ICSL Variant Classification Criteria 13 December 2019. Collection method: clinical testing. Allele origin: germline.
Comment: This variant was observed in the ICSL laboratory as part of a predisposition screen in an ostensibly healthy population. It had not been previously curated by ICSL or reported in the Human Gene Mutation Database (HGMD: prior to June 1st, 2018), and was therefore a candidate for classification through an automated scoring system. Utilizing variant allele frequency, disease prevalence and penetrance estimates, and inheritance mode, an automated score was calculated to assess if this variant is too frequent to cause the disease. Based on the score and internal cut-off values, a variant classified as likely benign is not then subjected to further curation. The score for this variant resulted in a classification of likely benign for this disease.

NM_014989.7(RIMS1):c.1384C>A (p.Pro462Thr)

Gene: RIMS1 (regulating synaptic membrane exocytosis 1; plus strand). Cytogenetic location: 6q13.
Variant type: single nucleotide variant.
Coding change: c.1384C>A on transcript NM_014989.7 (MANE Select); coding-DNA position 1384, C replaced by A.
Protein change: p.Pro462Thr; replaces proline 462 with threonine.
Molecular consequence: missense variant.
Genome position (GRCh38, 1-based): chr6:72,182,855, C>A. VCF-style: chr6-72182855-C-A. GRCh37 (hg19) VCF-style: chr6-72892558-C-A.
Other names: c.1384C>A (NM_014989.4); short protein forms P462T.
Identifiers: ClinVar variation 357839 (VCV000357839.13), dbSNP rs541997223, ClinGen allele CA3885691.